The following is an entry in ClinVar:

ClinVar aggregate classification (germline): Pathogenic/Likely pathogenic. Review status: criteria provided, multiple submitters, no conflicts (2 of 4 stars). 4 submissions from 4 submitters: Pathogenic (2); Likely pathogenic (2). Last evaluated 2025-09-02.

Conditions:
Familial hemophagocytic lymphohistiocytosis 3 (FHL3). Also called: UNC13D-Related Familial Hemophagocytic Lymphohistiocytosis (UNC13D-fHLH). Identifiers: Orphanet 540, MedGen C1837174, MONDO:0012146, OMIM 608898.
Familial hemophagocytic lymphohistiocytosis (FHL). Also called: Familial erythrophagocytic lymphohistiocytosis; Familial histiocytic reticulosis; Hereditary hemophagocytic lymphohistiocytosis. Identifiers: Orphanet 158038, Orphanet 540, MedGen C0272199, MONDO:0015541.

Allele frequency attached by ClinVar (database versions not stated): TOPMed below 0.00001; ExAC 0.00003.
gnomAD v4.1: 10 of 1,604,638 alleles (0.00062%); highest among the groups gnomAD compares: South Asian, 0.0033%; no homozygotes.

Submissions (4):

Labcorp Genetics (formerly Invitae), Labcorp
Classification: Pathogenic for Familial hemophagocytic lymphohistiocytosis 3. Last evaluated: 2025-09-02. Review status: criteria provided, single submitter. Criteria: Invitae Variant Classification Sherloc (09022015). Collection method: clinical testing. Allele origin: germline.
Comment: This sequence change replaces alanine, which is neutral and non-polar, with aspartic acid, which is acidic and polar, at codon 1018 of the UNC13D protein (p.Ala1018Asp). The frequency data for this variant in the population databases is considered unreliable, as metrics indicate poor data quality at this position in the gnomAD database. This missense change has been observed in individual(s) with hemophagocytic lymphohistiocytosis (PMID: 32542393, 33746956, 34083498, 36703223). In at least one individual the data is consistent with being in trans (on the opposite chromosome) from a pathogenic variant. ClinVar contains an entry for this variant (Variation ID: 1810215). Invitae Evidence Modeling of protein sequence and biophysical properties (such as structural, functional, and spatial information, amino acid conservation, physicochemical variation, residue mobility, and thermodynamic stability) indicates that this missense variant is expected to disrupt UNC13D protein function with a positive predictive value of 80%. For these reasons, this variant has been classified as Pathogenic.

Women's Health and Genetics/Laboratory Corporation of America, LabCorp
Classification: Likely pathogenic for Familial hemophagocytic lymphohistiocytosis. Last evaluated: 2024-11-15. Review status: criteria provided, single submitter. Criteria: LabCorp Variant Classification Summary - May 2015. Collection method: clinical testing. Allele origin: germline.
Comment: Variant summary: UNC13D c.3053C>A (p.Ala1018Asp) results in a non-conservative amino acid change located in the Protein kinase C conserved region 2 (CalB) Domain (IPR000008) of the encoded protein sequence. Five of five in-silico tools predict a damaging effect of the variant on protein function. The variant allele was found at a frequency of 8.8e-06 in 227362 control chromosomes. c.3053C>A has been reported in the literature in individuals affected with Familial Hemophagocytic Lymphohistiocytosis, as a homozygous, compound heterozygous, or unreported genotype (e.g. Gadoury-Levesque_2020, Shabrish_2021, AlAhmari_2021, ElNaofal_2023). These data indicate that the variant is likely to be associated with disease. To our knowledge, no experimental evidence demonstrating an impact on protein function has been reported. The following publications have been ascertained in the context of this evaluation (PMID: 34083498, 36703223, 32542393, 33746956). ClinVar contains an entry for this variant (Variation ID: 1810215). Based on the evidence outlined above, the variant was classified as likely pathogenic.

Dubai Health Genomic Medicine Center, Dubai Health
Classification: Likely pathogenic. Last evaluated: 2022-12-17. Review status: criteria provided, single submitter. Criteria: ACMG Guidelines, 2015. Collection method: clinical testing. Allele origin: germline. Affected: yes.

Neuberg Centre For Genomic Medicine, NCGM
Classification: Pathogenic for Familial hemophagocytic lymphohistiocytosis 3. Review status: criteria provided, single submitter. Criteria: ACMG Guidelines, 2015. Collection method: clinical testing. Allele origin: germline. Inheritance: Autosomal recessive inheritance. Affected: yes.

Literature cited by the submitters: PubMed 32542393 (cited by Labcorp Genetics (formerly Invitae), Labcorp and Women's Health and Genetics/Laboratory Corporation of America, LabCorp); PubMed 33746956 (cited by Labcorp Genetics (formerly Invitae), Labcorp and Women's Health and Genetics/Laboratory Corporation of America, LabCorp); PubMed 34083498 (cited by Labcorp Genetics (formerly Invitae), Labcorp and Women's Health and Genetics/Laboratory Corporation of America, LabCorp); PubMed 36703223 (cited by Labcorp Genetics (formerly Invitae), Labcorp and Women's Health and Genetics/Laboratory Corporation of America, LabCorp).

NM_199242.3(UNC13D):c.3053C>A (p.Ala1018Asp)

Gene: UNC13D (unc-13 homolog D; minus strand). Cytogenetic location: 17q25.1.
Variant type: single nucleotide variant.
Coding change: c.3053C>A on transcript NM_199242.3 (MANE Select); coding-DNA position 3053, C replaced by A.
Protein change: p.Ala1018Asp; replaces alanine 1018 with aspartic acid.
Molecular consequence: missense variant.
Genome position (GRCh38, 1-based): chr17:75,828,885, G>T on the plus strand (C>A on the coding strand, the complement: UNC13D is on the minus strand). VCF-style: chr17-75828885-G-T. GRCh37 (hg19) VCF-style: chr17-73824966-G-T.
Other names: short protein forms A1018D.
Identifiers: ClinVar variation 1810215 (VCV001810215.6), dbSNP rs778829355, ClinGen allele CA8772291.